The following is an entry in ClinVar:

NM_006279.5(ST3GAL3):c.244T>A (p.Ser82Thr)

Gene: ST3GAL3 (ST3 beta-galactoside alpha-2,3-sialyltransferase 3; plus strand). Cytogenetic location: 1p34.1.
Variant type: single nucleotide variant.
Coding change: c.244T>A on transcript NM_006279.5 (MANE Select); coding-DNA position 244, T replaced by A.
Protein change: p.Ser82Thr; replaces serine 82 with threonine.
Molecular consequence: missense variant. On other transcripts: 5 prime UTR variant (1), non-coding transcript variant (7), intron variant (2).
Genome position (GRCh38, 1-based): chr1:43,838,253, T>A. VCF-style: chr1-43838253-T-A. GRCh37 (hg19) VCF-style: chr1-44303925-T-A.
Other names: c.244T>A, p.Ser82Thr (NM_001270459.2, NM_001350620.2, NM_174966.4 and 1 more transcripts); c.196T>A, p.Ser66Thr (NM_001270461.3, NM_001270464.3, NM_001270466.3 and 2 more transcripts); c.241T>A, p.Ser81Thr (NM_001270463.3, NM_001270465.3); c.289T>A, p.Ser97Thr (NM_001350619.2, NM_174964.4, NM_174965.4); c.-210T>A (NM_001350621.2); c.406T>A, p.Ser136Thr (NM_001363573.2, NM_174968.5); c.451T>A, p.Ser151Thr (NM_174963.5); c.358T>A, p.Ser120Thr (NM_174971.5); and 3 more; short protein forms S66T, S97T, S136T, S82T, S151T, S81T, S120T.
Identifiers: ClinVar variation 1352936 (VCV001352936.6), dbSNP rs201552654, ClinGen allele CA814602.

ClinVar aggregate classification (germline): Uncertain significance. Review status: criteria provided, multiple submitters, no conflicts (2 of 4 stars). 2 submissions from 2 submitters: Uncertain significance (2). Last evaluated 2025-08-26.

Conditions:
Inborn genetic diseases. Identifiers: MedGen C0950123, MeSH D030342.
Developmental and epileptic encephalopathy. Identifiers: MedGen C5779964, MONDO:0100620.

Allele frequency attached by ClinVar (database versions not stated): TOPMed 0.00001; gnomAD 0.00003; ExAC 0.00005; 1000 Genomes Project 30x 0.00016; 1000 Genomes Project 0.00020.
gnomAD v4.1: 54 of 1,613,962 alleles (0.0033%); highest among the groups gnomAD compares: South Asian, 0.055%; 1 homozygote.

Submissions (2):

Ambry Genetics
Classification: Uncertain significance for Inborn genetic diseases. Last evaluated: 2025-08-26. Review status: criteria provided, single submitter. Criteria: Ambry Variant Classification Scheme 2023. Collection method: clinical testing. Allele origin: germline.

Labcorp Genetics (formerly Invitae), Labcorp
Classification: Uncertain significance for Early-infantile DEE. Last evaluated: 2025-02-03. Review status: criteria provided, single submitter. Criteria: Invitae Variant Classification Sherloc (09022015). Collection method: clinical testing. Allele origin: germline.
Comment: This sequence change replaces serine, which is neutral and polar, with threonine, which is neutral and polar, at codon 82 of the ST3GAL3 protein (p.Ser82Thr). This variant is present in population databases (rs201552654, gnomAD 0.05%), including at least one homozygous and/or hemizygous individual. This variant has not been reported in the literature in individuals affected with ST3GAL3-related conditions. ClinVar contains an entry for this variant (Variation ID: 1352936). Invitae Evidence Modeling of protein sequence and biophysical properties (such as structural, functional, and spatial information, amino acid conservation, physicochemical variation, residue mobility, and thermodynamic stability) indicates that this missense variant is not expected to disrupt ST3GAL3 protein function with a negative predictive value of 80%. In summary, the available evidence is currently insufficient to determine the role of this variant in disease. Therefore, it has been classified as a Variant of Uncertain Significance.